The following is an entry in ClinVar:

ClinVar aggregate classification (germline): Uncertain significance (1 of 4 stars; one submission).

gnomAD v4.1: 6 of 1,613,758 alleles (0.00037%); highest among the groups gnomAD compares: Non-Finnish European, 0.00051%; no homozygotes.

Submission:

Labcorp Genetics (formerly Invitae), Labcorp
Classification: Uncertain significance. Last evaluated: 2024-03-05. Review status: criteria provided, single submitter. Criteria: Invitae Variant Classification Sherloc (09022015). Collection method: clinical testing. Allele origin: germline.
Comment: This sequence change replaces lysine, which is basic and polar, with asparagine, which is neutral and polar, at codon 1265 of the NYNRIN protein (p.Lys1265Asn). This variant is not present in population databases (gnomAD no frequency). This variant has not been reported in the literature in individuals affected with NYNRIN-related conditions. Experimental studies and prediction algorithms are not available or were not evaluated, and the functional significance of this variant is currently unknown. In summary, the available evidence is currently insufficient to determine the role of this variant in disease. Therefore, it has been classified as a Variant of Uncertain Significance.

NM_025081.3(NYNRIN):c.3795A>C (p.Lys1265Asn)

Gene: NYNRIN (NYN domain and retroviral integrase containing; plus strand). Cytogenetic location: 14q12.
Variant type: single nucleotide variant.
Coding change: c.3795A>C on transcript NM_025081.3 (MANE Select); coding-DNA position 3795, A replaced by C.
Protein change: p.Lys1265Asn; replaces lysine 1265 with asparagine.
Molecular consequence: missense variant.
Genome position (GRCh38, 1-based): chr14:24,415,544, A>C. VCF-style: chr14-24415544-A-C. GRCh37 (hg19) VCF-style: chr14-24884750-A-C.
Other names: short protein forms K1265N.
Identifiers: ClinVar variation 3644542 (VCV003644542.2).